The following is an entry in ClinVar:

ClinVar aggregate classification (germline): Uncertain significance (1 of 4 stars; one submission).

Submission:

Labcorp Genetics (formerly Invitae), Labcorp
Classification: Uncertain significance. Last evaluated: 2025-10-05. Review status: criteria provided, single submitter. Criteria: Invitae Variant Classification Sherloc (09022015). Collection method: clinical testing. Allele origin: germline.
Comment: This sequence change replaces proline, which is neutral and non-polar, with leucine, which is neutral and non-polar, at codon 429 of the FAM111A protein (p.Pro429Leu). This variant is present in population databases (rs771954122, gnomAD 0.002%). This variant has not been reported in the literature in individuals affected with FAM111A-related conditions. Invitae Evidence Modeling of protein sequence and biophysical properties (such as structural, functional, and spatial information, amino acid conservation, physicochemical variation, residue mobility, and thermodynamic stability) indicates that this missense variant is expected to disrupt FAM111A protein function with a positive predictive value of 80%. In summary, the available evidence is currently insufficient to determine the role of this variant in disease. Therefore, it has been classified as a Variant of Uncertain Significance.

NM_001312909.2(FAM111A):c.1286C>T (p.Pro429Leu)

Gene: FAM111A (FAM111 trypsin like peptidase A; plus strand). Cytogenetic location: 11q12.1.
Variant type: single nucleotide variant.
Coding change: c.1286C>T on transcript NM_001312909.2 (MANE Select); coding-DNA position 1286, C replaced by T.
Protein change: p.Pro429Leu; replaces proline 429 with leucine.
Molecular consequence: missense variant.
Genome position (GRCh38, 1-based): chr11:59,152,954, C>T. VCF-style: chr11-59152954-C-T. GRCh37 (hg19) VCF-style: chr11-58920427-C-T.
Other names: c.1286C>T, p.Pro429Leu (NM_001142519.3, NM_001142520.3, NM_001142521.3 and 29 more transcripts); short protein forms P429L.
Identifiers: ClinVar variation 4706359 (VCV004706359.1).